The following is an entry in ClinVar:

NM_020821.3(VPS13C):c.10939A>G (p.Met3647Val)

Gene: VPS13C (vacuolar protein sorting 13 homolog C; minus strand). Cytogenetic location: 15q22.2.
Variant type: single nucleotide variant.
Coding change: c.10939A>G on transcript NM_020821.3 (MANE Select); coding-DNA position 10939, A replaced by G.
Protein change: p.Met3647Val; replaces methionine 3647 with valine.
Molecular consequence: missense variant.
Genome position (GRCh38, 1-based): chr15:61,863,453, T>C on the plus strand (A>G on the coding strand, the complement: VPS13C is on the minus strand). VCF-style: chr15-61863453-T-C. GRCh37 (hg19) VCF-style: chr15-62155652-T-C.
Other names: c.10810A>G, p.Met3604Val (NM_017684.5); short protein forms M3604V, M3647V.
Identifiers: ClinVar variation 2093716 (VCV002093716.4), dbSNP rs1208200265, ClinGen allele CA392667349.

ClinVar aggregate classification (germline): Uncertain significance (1 of 4 stars; one submission).

Allele frequency attached by ClinVar (database versions not stated): gnomAD exomes below 0.00001; gnomAD 0.00001.
gnomAD v4.1: 2 of 1,612,102 alleles (0.00012%); highest among the groups gnomAD compares: Non-Finnish European, 0.00017%; no homozygotes.

Submission:

Labcorp Genetics (formerly Invitae), Labcorp
Classification: Uncertain significance. Last evaluated: 2022-02-08. Review status: criteria provided, single submitter. Criteria: Invitae Variant Classification Sherloc (09022015). Collection method: clinical testing. Allele origin: germline.
Comment: This variant has not been reported in the literature in individuals affected with VPS13C-related conditions. Algorithms developed to predict the effect of missense changes on protein structure and function output the following: SIFT: "Tolerated"; PolyPhen-2: "Benign"; Align-GVGD: "Class C0". The valine amino acid residue is found in multiple mammalian species, which suggests that this missense change does not adversely affect protein function. This variant is present in population databases (no rsID available, gnomAD 0.002%). This sequence change replaces methionine, which is neutral and non-polar, with valine, which is neutral and non-polar, at codon 3647 of the VPS13C protein (p.Met3647Val). In summary, the available evidence is currently insufficient to determine the role of this variant in disease. Therefore, it has been classified as a Variant of Uncertain Significance.